The following is an entry in ClinVar:

ClinVar aggregate classification (germline): Uncertain significance (1 of 4 stars; one submission).

Conditions:
Ceroid lipofuscinosis, neuronal, 6A. Also called: Neuronal ceroid lipofuscinosis, late infantile, variant; Neuronal ceroid lipofuscinosis, Gypsy/Indian early juvenile variant; Neuronal ceroid lipofuscinosis 6; CLN6-Related Neuronal Ceroid-Lipofuscinosis. Identifiers: Orphanet 168491, Orphanet 228363, MedGen C5551375, MONDO:0011144, OMIM 601780.

Allele frequency attached by ClinVar (database versions not stated): gnomAD exomes below 0.00001.
gnomAD v4.1: 2 of 1,612,066 alleles (0.00012%); highest among the groups gnomAD compares: Non-Finnish European, 0.00017%; no homozygotes.

Submission:

Neuberg Centre For Genomic Medicine, NCGM
Classification: Uncertain significance for Ceroid lipofuscinosis, neuronal, 6A. Last evaluated: 2023-02-14. Review status: criteria provided, single submitter. Criteria: ACMG Guidelines, 2015. Collection method: clinical testing. Allele origin: germline. Inheritance: Autosomal recessive inheritance. Affected: yes.
Comment: The missense c.883T>C(p.Tyr295His) variant in CLN6 gene has not been reported previously as a pathogenic variant nor a benign variant, to our knowledge. The p.Tyr295His variant is novel (not in any individuals) in gnomAD Exomes and 1000 Genomes. This variant has not been reported to the ClinVar database. The amino acid change p.Tyr295His in CLN6 is predicted as conserved by GERP++ and PhyloP across 100 vertebrates. The amino acid Tyr at position 295 is changed to a His changing protein sequence and it might alter its composition and physico-chemical properties. For these reasons, this variant has been classified as a Variant of Uncertain Significance (VUS).

NM_017882.3(CLN6):c.883T>C (p.Tyr295His)

Gene: CLN6 (CLN6 transmembrane ER protein; minus strand). Cytogenetic location: 15q23.
Variant type: single nucleotide variant.
Coding change: c.883T>C on transcript NM_017882.3 (MANE Select); coding-DNA position 883, T replaced by C.
Protein change: p.Tyr295His; replaces tyrosine 295 with histidine.
Molecular consequence: missense variant.
Genome position (GRCh38, 1-based): chr15:68,208,193, A>G on the plus strand (T>C on the coding strand, the complement: CLN6 is on the minus strand). VCF-style: chr15-68208193-A-G. GRCh37 (hg19) VCF-style: chr15-68500531-A-G.
Other names: c.979T>C, p.Tyr327His (NM_001411068.1); short protein forms Y295H, Y327H.
Identifiers: ClinVar variation 2671681 (VCV002671681.1), dbSNP rs2505401169, ClinGen allele CA392971646.